The following is an entry in ClinVar:

NM_001271.4(CHD2):c.62+3644G>C

Genes: CHD2 (chromodomain helicase DNA binding protein 2; plus strand), LOC126862227 (MED14-independent group 3 enhancer GRCh37_chr15:93447162-93448361; plus strand). Cytogenetic location: 15q26.1.
Variant type: single nucleotide variant.
Coding change: c.62+3644G>C on transcript NM_001271.4 (MANE Select); 3644 bases into the intron after coding-DNA position 62, G replaced by C.
Molecular consequence: intron variant.
Genome position (GRCh38, 1-based): chr15:92,904,943, G>C. VCF-style: chr15-92904943-G-C. GRCh37 (hg19) VCF-style: chr15-93448173-G-C.
Other names: c.62+3644G>C (NM_001042572.3).
Identifiers: ClinVar variation 1879306 (VCV001879306.30), dbSNP rs566175560, ClinGen allele CA7747423.
Genomic context (GRCh38, chr15:92,904,943, plus strand): 5'-ACGGGTGTTAACAGCTGTTTAATACATGGCTCATAAACAAAGGGAAGATTATTTGAACTT[G>C]TCCCCATGCGTTTTTACTTGGTACCGTACATTTTCTCAGTTGGCATTTGATGGAGAAAAA-3'

ClinVar aggregate classification (germline): Likely benign. Review status: criteria provided, multiple submitters, no conflicts (2 of 4 stars). 2 submissions from 2 submitters: Likely benign (2). Last evaluated 2022-12-01.

Allele frequency attached by ClinVar (database versions not stated): 1000 Genomes Project 30x 0.00016; 1000 Genomes Project 0.00020; ExAC 0.00049; gnomAD 0.00082; TOPMed 0.00087; gnomAD exomes 0.00138.
gnomAD v4.1: 2,011 of 1,535,990 alleles (0.13%); highest among the groups gnomAD compares: Non-Finnish European, 0.16%; 9 homozygotes.

Submissions (2):

CeGaT Center for Human Genetics Tuebingen
Classification: Likely benign. Last evaluated: 2022-12-01. Review status: criteria provided, single submitter. Criteria: CeGaT Center For Human Genetics Tuebingen Variant Classification Criteria Version 2. Collection method: clinical testing. Allele origin: germline. Affected: yes. Observed: 2 variant alleles.
Comment: CHD2: BS1

Blueprint Genetics
Classification: Likely benign. Last evaluated: 2022-11-29. Review status: criteria provided, single submitter. Criteria: ACMG Guidelines, 2015. Collection method: clinical testing. Allele origin: germline.